The following is an entry in ClinVar:

NM_016180.5(SLC45A2):c.439_443del (p.Ile147fs)

Gene: SLC45A2 (solute carrier family 45 member 2; minus strand). Cytogenetic location: 5p13.2.
Variant type: Deletion.
Coding change: c.439_443del on transcript NM_016180.5 (MANE Select); coding-DNA positions 439 to 443, 5 bases deleted (ATAGG; older notation c.439_443delATAGG).
Protein change: p.Ile147fs; shifts the reading frame from isoleucine 147.
Molecular consequence: frameshift variant.
Genome position (GRCh38, 1-based): chr5:33,982,355-33,982,359, CCTAT deleted on the plus strand (ATAGG on the coding strand, the reverse complement: SLC45A2 is on the minus strand); deleting any 5 consecutive bases within chr5:33,982,355-33,982,360 gives the same sequence; the c. name uses the placement nearest the transcript's 3' end. VCF-style (leftmost placement, unchanged base first): chr5-33982354-ACCTAT-A. GRCh37 (hg19) VCF-style: chr5-33982459-ACCTAT-A.
Other names: c.439_443del, p.Ile147fs (NM_001012509.4, NM_001297417.4); short protein forms I147fs.
Identifiers: ClinVar variation 2859446 (VCV002859446.3), dbSNP rs2478912585, ClinGen allele CA2739274642.
Genomic context (GRCh38, chr5:33,982,354, plus strand): 5'-AAATAAGTAGGCTTTGATGGGCCCATCAATGAAGTCGGCAGCAAAATCAAAGAGAACGAC[ACCTAT>A]CATGGTGACACTTATGGCCCAAACCAGCTTCCTCCTTGGGTTAGCAATCAAAGCTAAAAG-3'

ClinVar aggregate classification (germline): Pathogenic (1 of 4 stars; one submission).

Submission:

Labcorp Genetics (formerly Invitae), Labcorp
Classification: Pathogenic. Last evaluated: 2023-04-26. Review status: criteria provided, single submitter. Criteria: Invitae Variant Classification Sherloc (09022015). Collection method: clinical testing. Allele origin: germline.
Comment: For these reasons, this variant has been classified as Pathogenic. This variant has not been reported in the literature in individuals affected with SLC45A2-related conditions. This variant is not present in population databases (gnomAD no frequency). This sequence change creates a premature translational stop signal (p.Ile147Cysfs*5) in the SLC45A2 gene. It is expected to result in an absent or disrupted protein product. Loss-of-function variants in SLC45A2 are known to be pathogenic (PMID: 21458243, 26573111).

Literature cited by the submitters: PubMed 21458243; PubMed 26573111.